The following is an entry in ClinVar:

ClinVar aggregate classification (germline): Uncertain significance (1 of 4 stars; one submission).

Conditions:
Familial thoracic aortic aneurysm and aortic dissection (TAAD). Also called: Thoracic aortic aneurysms and dissections. Identifiers: Orphanet 91387, MedGen C4707243, MONDO:0019625.

Submission:

Ambry Genetics
Classification: Uncertain significance for Familial thoracic aortic aneurysm and aortic dissection. Last evaluated: 2023-07-21. Review status: criteria provided, single submitter. Criteria: Ambry Variant Classification Scheme 2023. Collection method: clinical testing. Allele origin: germline.
Comment: The p.E1480D variant (also known as c.4440G>C), located in coding exon 31 of the MYH11 gene, results from a G to C substitution at nucleotide position 4440. The glutamic acid at codon 1480 is replaced by aspartic acid, an amino acid with highly similar properties. This amino acid position is conserved. In addition, this alteration is predicted to be tolerated by in silico analysis. Since supporting evidence is limited at this time, the clinical significance of this alteration remains unclear.

NM_002474.3(MYH11):c.4440G>C (p.Glu1480Asp)

Genes: NDE1 (nudE neurodevelopment protein 1; plus strand), MYH11 (myosin heavy chain 11; minus strand). Cytogenetic location: 16p13.11.
Variant type: single nucleotide variant.
Coding change: c.4440G>C on transcript NM_002474.3 (MANE Select); coding-DNA position 4440, G replaced by C.
Protein change: p.Glu1480Asp; replaces glutamic acid 1480 with aspartic acid.
Molecular consequence: missense variant. On other transcripts: intron variant (2).
Genome position (GRCh38, 1-based): chr16:15,721,560, C>G on the plus strand (G>C on the coding strand, the complement: MYH11 is on the minus strand). VCF-style: chr16-15721560-C-G. GRCh37 (hg19) VCF-style: chr16-15815417-C-G.
Other names: c.4461G>C, p.Glu1487Asp (NM_001040113.2, NM_001040114.2); c.4440G>C, p.Glu1480Asp (NM_022844.3); c.948-2631C>G (NM_001143979.2, NM_017668.3); short protein forms E1480D, E1487D.
Identifiers: ClinVar variation 2625325 (VCV002625325.2), dbSNP rs2151210905, ClinGen allele CA394855363.
Genomic context (GRCh38, chr16:15,721,560, plus strand): 5'-CTCTTTGGCTTCCAAGGCCTCTTCAAGGGCCCGAGCCAGGGACAGGGCCTTGGTTTCCTT[C>G]TCCCTGGCTTCTGCCTCAGCTCTGTCCCTCTCATCCGCGTATTTGGAAGAGATGTTTTTC-3'
Protein context (NP_002465.1, residues 1470-1490): ERDRAEAEAR[Glu1480Asp]KETKALSLAR